The following is an entry in ClinVar:

ClinVar aggregate classification (germline): Pathogenic (1 of 4 stars; one submission).

Conditions:
Spermatogenic failure 18. Identifiers: MedGen C4539783, MONDO:0054615, OMIM 617576.
Ciliary dyskinesia, primary, 37 (CILD37). Also called: CILIARY DYSKINESIA, PRIMARY, 37, WITH OR WITHOUT SITUS INVERSUS. Identifiers: MedGen C4539798, MONDO:0033204, OMIM 617577.

Submission:

Labcorp Genetics (formerly Invitae), Labcorp
Classification: Pathogenic for Ciliary dyskinesia, primary, 37; Spermatogenic failure 18. Last evaluated: 2025-07-10. Review status: criteria provided, single submitter. Criteria: Invitae Variant Classification Sherloc (09022015). Collection method: clinical testing. Allele origin: germline.
Comment: This sequence change creates a premature translational stop signal (p.Leu3594Serfs*26) in the DNAH1 gene. It is expected to result in an absent or disrupted protein product. Loss-of-function variants in DNAH1 are known to be pathogenic (PMID: 27573432, 27798045). This variant is present in population databases (rs754212933, gnomAD 0.006%). This variant has not been reported in the literature in individuals affected with DNAH1-related conditions. Algorithms developed to predict the effect of sequence changes on RNA splicing suggest that this variant may disrupt the consensus splice site. For these reasons, this variant has been classified as Pathogenic.

Literature cited by the submitters: PubMed 27573432; PubMed 27798045.

NM_015512.5(DNAH1):c.10780del (p.Leu3594fs)

Gene: DNAH1 (dynein axonemal heavy chain 1; plus strand). Cytogenetic location: 3p21.1.
Variant type: Deletion.
Coding change: c.10780del on transcript NM_015512.5 (MANE Select); coding-DNA position 10780, one base deleted (C; older notation c.10780delC).
Protein change: p.Leu3594fs; shifts the reading frame from leucine 3594.
Molecular consequence: frameshift variant.
Genome position (GRCh38, 1-based): chr3:52,394,618, C deleted; the last of 2 consecutive C bases (chr3:52,394,617-52,394,618); deleting either gives the same sequence. VCF-style (leftmost placement, unchanged base first): chr3-52394616-AC-A. GRCh37 (hg19) VCF-style: chr3-52428632-AC-A.
Other names: short protein forms L3594fs.
Identifiers: ClinVar variation 4782531 (VCV004782531.1).